The following is an entry in ClinVar:

ClinVar aggregate classification (germline): Likely pathogenic (1 of 4 stars; one submission).

Conditions:
Neuropathy, hereditary sensory and autonomic, type 2A (HSAN2A). Also called: ACROOSTEOLYSIS, GIACCAI TYPE; ACROOSTEOLYSIS, NEUROGENIC; MORVAN DISEASE; NEUROPATHY, CONGENITAL SENSORY; NEUROPATHY, HEREDITARY SENSORY RADICULAR, AUTOSOMAL RECESSIVE; NEUROPATHY, HEREDITARY SENSORY, TYPE IIA. Identifiers: Orphanet 970, MedGen C2752089, MONDO:0024309, OMIM 201300.
Generalized epilepsy with febrile seizures plus, type 7 (GEFSP7). Also called: GEFS+, TYPE 7. Identifiers: Orphanet 36387, MedGen C2751778, MONDO:0013470, OMIM 613863.

Submissions (2):

Labcorp Genetics (formerly Invitae), Labcorp
Classification: Likely pathogenic for Neuropathy, hereditary sensory and autonomic, type 2A; Generalized epilepsy with febrile seizures plus, type 7. Last evaluated: 2023-02-23. Review status: criteria provided, single submitter. Criteria: Invitae Variant Classification Sherloc (09022015). Collection method: clinical testing. Allele origin: germline.
Comment: In summary, the currently available evidence indicates that the variant is pathogenic, but additional data are needed to prove that conclusively. Therefore, this variant has been classified as Likely Pathogenic. Algorithms developed to predict the effect of sequence changes on RNA splicing suggest that this variant may disrupt the consensus splice site. This variant has not been reported in the literature in individuals affected with SCN9A-related conditions. This variant is not present in population databases (gnomAD no frequency). This sequence change affects a donor splice site in intron 10 of the SCN9A gene. It is expected to disrupt RNA splicing. Variants that disrupt the donor or acceptor splice site typically lead to a loss of protein function (PMID: 16199547), and loss-of-function variants in SCN9A are known to be pathogenic (PMID: 17470132, 19304393).

Dr. Peter K. Rogan Lab, Western University
No classification provided (evidence only). Condition: Uterine corpus endometrial carcinoma. Review status: no classification provided. Collection method: in vitro. Allele origin: not applicable. Functional consequence: retained intron. Not counted in ClinVar's aggregate classification.

Literature cited by the submitters: PubMed 16199547 (cited by Labcorp Genetics (formerly Invitae), Labcorp); PubMed 17470132 (cited by Labcorp Genetics (formerly Invitae), Labcorp); PubMed 19304393 (cited by Labcorp Genetics (formerly Invitae), Labcorp).

NM_001365536.1(SCN9A):c.1314+1G>A

Genes: SCN9A (sodium voltage-gated channel alpha subunit 9; minus strand), SCN1A-AS1 (SCN1A and SCN9A antisense RNA 1; plus strand). Cytogenetic location: 2q24.3.
Variant type: single nucleotide variant.
Coding change: c.1314+1G>A on transcript NM_001365536.1 (MANE Select); the canonical splice donor site of the intron after coding-DNA position 1314, G replaced by A.
Molecular consequence: splice donor variant.
Genome position (GRCh38, 1-based): chr2:166,288,436, C>T on the plus strand (G>A on the coding strand, the complement: SCN9A is on the minus strand). VCF-style: chr2-166288436-C-T. GRCh37 (hg19) VCF-style: chr2-167144946-C-T.
Other names: c.1314+1G>A (NM_002977.4).
Identifiers: ClinVar variation 2943921 (VCV002943921.4), dbSNP rs1295192882, ClinGen allele CA349085556.
Genomic context (GRCh38, chr2:166,288,436, plus strand): 5'-CCTCTGTTGTAACCGTTTGCATTTCTACCTCTAGGAAGAATTTTAAATCAAATAACAGTA[C>T]CTCAGCTTCTTCTTGCTCTTTTTTAAGACGGTCTAACATCTGTTGAAATTCTAATTCTTT-3'